The following is an entry in ClinVar:

ClinVar aggregate classification (germline): Uncertain significance (1 of 4 stars; one submission).

Submission:

Labcorp Genetics (formerly Invitae), Labcorp
Classification: Uncertain significance. Last evaluated: 2023-08-30. Review status: criteria provided, single submitter. Criteria: Invitae Variant Classification Sherloc (09022015). Collection method: clinical testing. Allele origin: germline.
Comment: This variant has not been reported in the literature in individuals affected with SCN3A-related conditions. In summary, the available evidence is currently insufficient to determine the role of this variant in disease. Therefore, it has been classified as a Variant of Uncertain Significance. This variant is not present in population databases (gnomAD no frequency). This sequence change creates a premature translational stop signal (p.Lys39Argfs*53) in the SCN3A gene. It is expected to result in an absent or disrupted protein product. However, the current clinical and genetic evidence is not sufficient to establish whether loss-of-function variants in SCN3A cause disease.

NM_006922.4(SCN3A):c.116del (p.Lys39fs)

Gene: SCN3A (sodium voltage-gated channel alpha subunit 3; minus strand). Cytogenetic location: 2q24.3.
Variant type: Deletion.
Coding change: c.116del on transcript NM_006922.4 (MANE Select); coding-DNA position 116, one base deleted (A; older notation c.116delA).
Protein change: p.Lys39fs; shifts the reading frame from lysine 39.
Molecular consequence: frameshift variant.
Genome position (GRCh38, 1-based): chr2:165,176,279, T deleted on the plus strand (A on the coding strand, the reverse complement: SCN3A is on the minus strand); the first of 5 consecutive T bases (chr2:165,176,279-165,176,283); deleting any one gives the same sequence. VCF-style (leftmost placement, unchanged base first): chr2-165176278-CT-C. GRCh37 (hg19) VCF-style: chr2-166032788-CT-C.
Other names: c.116del, p.Lys39fs (NM_001081676.2, NM_001081677.2); short protein forms K39fs.
Identifiers: ClinVar variation 2831574 (VCV002831574.3), dbSNP rs34966371, ClinGen allele CA60231504.